The following is an entry in ClinVar:

NM_000264.5(PTCH1):c.751A>G (p.Lys251Glu)

Gene: PTCH1 (patched 1; minus strand). Cytogenetic location: 9q22.32.
Variant type: single nucleotide variant.
Coding change: c.751A>G on transcript NM_000264.5 (MANE Select); coding-DNA position 751, A replaced by G.
Protein change: p.Lys251Glu; replaces lysine 251 with glutamic acid.
Molecular consequence: missense variant. On other transcripts: non-coding transcript variant (1).
Genome position (GRCh38, 1-based): chr9:95,480,584, T>C on the plus strand (A>G on the coding strand, the complement: PTCH1 is on the minus strand). VCF-style: chr9-95480584-T-C. GRCh37 (hg19) VCF-style: chr9-98242866-T-C.
Other names: c.751A>G (NM_000264.4); c.553A>G, p.Lys185Glu (NM_001083602.3); c.748A>G, p.Lys250Glu (NM_001083603.3); c.298A>G, p.Lys100Glu (NM_001083604.3, NM_001083605.3, NM_001083606.3 and 1 more transcripts); c.751A>G, p.Lys251Glu (NM_001354918.2); short protein forms K100E, K251E, K185E, K250E.
Identifiers: ClinVar variation 1521939 (VCV001521939.9), dbSNP rs2118428694, ClinGen allele CA374114648.
Genomic context (GRCh38, chr9:95,480,584, plus strand): 5'-TTTTCTTTAACTCTTCCAGGAATTCCAAAGGGTCGAAGTTTGTCCACCGCAAAGGAGGTT[T>C]ACCTCTGCAAAAGAAATTAGGAGACGAGACCATGAAAAGAGCCTTCTAAACGCATCGTAA-3'
Protein context (NP_000255.2, residues 241-261): LQSGTAYLLG[Lys251Glu]PPLRWTNFDP

ClinVar aggregate classification (germline): Uncertain significance. Review status: criteria provided, multiple submitters, no conflicts (2 of 4 stars). 3 submissions from 3 submitters: Uncertain significance (3). Last evaluated 2025-07-30.

Conditions:
Hereditary cancer-predisposing syndrome. Also called: Tumor predisposition; Hereditary neoplastic syndrome; Neoplastic Syndromes, Hereditary; Hereditary Cancer Syndrome. Identifiers: Orphanet 140162, MedGen C0027672, MeSH D009386, MONDO:0015356.
Gorlin syndrome. Also called: Basal cell nevus syndrome; Nevoid Basal Cell Carcinoma Syndrome. Identifiers: Orphanet 377, MedGen C0004779, MONDO:0007187.

Submissions (3):

Quest Diagnostics Nichols Institute San Juan Capistrano
Classification: Uncertain significance. Last evaluated: 2025-07-30. Review status: criteria provided, single submitter. Criteria: Quest Diagnostics criteria. Collection method: clinical testing. Allele origin: unknown.
Comment: The PTCH1 c.751A>G (p.Lys251Glu) variant has not been reported in individuals with PTCH1-related conditions in the published literature. This variant has not been reported in large, multi-ethnic general populations (Genome Aggregation Database). Analysis of this variant using bioinformatics tools for the prediction of the effect of amino acid changes on protein structure and function yielded conflicting predictions that this variant is deleterious or benign. Based on the available information, we are unable to determine the clinical significance of this variant.

Ambry Genetics
Classification: Uncertain significance for Hereditary cancer-predisposing syndrome. Last evaluated: 2024-02-08. Review status: criteria provided, single submitter. Criteria: Ambry Variant Classification Scheme 2023. Collection method: clinical testing. Allele origin: germline.
Comment: The p.K251E variant (also known as c.751A>G), located in coding exon 6 of the PTCH1 gene, results from an A to G substitution at nucleotide position 751. The lysine at codon 251 is replaced by glutamic acid, an amino acid with similar properties. This amino acid position is highly conserved in available vertebrate species. In addition, the in silico prediction for this alteration is inconclusive. Since supporting evidence is limited at this time, the clinical significance of this alteration remains unclear.

Labcorp Genetics (formerly Invitae), Labcorp
Classification: Uncertain significance for Gorlin syndrome. Last evaluated: 2022-08-23. Review status: criteria provided, single submitter. Criteria: Invitae Variant Classification Sherloc (09022015). Collection method: clinical testing. Allele origin: germline.
Comment: In summary, the available evidence is currently insufficient to determine the role of this variant in disease. Therefore, it has been classified as a Variant of Uncertain Significance. Advanced modeling of protein sequence and biophysical properties (such as structural, functional, and spatial information, amino acid conservation, physicochemical variation, residue mobility, and thermodynamic stability) performed at Invitae indicates that this missense variant is not expected to disrupt PTCH1 protein function. ClinVar contains an entry for this variant (Variation ID: 1521939). This variant has not been reported in the literature in individuals affected with PTCH1-related conditions. This variant is not present in population databases (gnomAD no frequency). This sequence change replaces lysine, which is basic and polar, with glutamic acid, which is acidic and polar, at codon 251 of the PTCH1 protein (p.Lys251Glu).